The following is an entry in ClinVar:

ClinVar aggregate classification (germline): Uncertain significance. Review status: criteria provided, multiple submitters, no conflicts (2 of 4 stars). 2 submissions from 2 submitters: Uncertain significance (2). Last evaluated 2025-04-14.

Conditions:
Arrhythmogenic right ventricular dysplasia 13. Also called: ARRHYTHMOGENIC RIGHT VENTRICULAR CARDIOMYOPATHY 13; Arrhythmogenic right ventricular dysplasia, familial, 13. Identifiers: MedGen C3810138, MONDO:0000908, OMIM 615616.

Allele frequency attached by ClinVar (database versions not stated): gnomAD exomes below 0.00001.
gnomAD v4.1: 1 of 1,613,018 alleles (0.000062%); highest among the groups gnomAD compares: Non-Finnish European, 0.000085%; no homozygotes.

Submissions (2):

Ambry Genetics
Classification: Uncertain significance. Last evaluated: 2025-04-14. Review status: criteria provided, single submitter. Criteria: Ambry Variant Classification Scheme 2023. Collection method: clinical testing. Allele origin: germline.

Labcorp Genetics (formerly Invitae), Labcorp
Classification: Uncertain significance for Arrhythmogenic right ventricular dysplasia 13. Last evaluated: 2023-10-04. Review status: criteria provided, single submitter. Criteria: Invitae Variant Classification Sherloc (09022015). Collection method: clinical testing. Allele origin: germline.
Comment: This sequence change replaces isoleucine, which is neutral and non-polar, with threonine, which is neutral and polar, at codon 382 of the CTNNA3 protein (p.Ile382Thr). This variant is not present in population databases (gnomAD no frequency). This variant has not been reported in the literature in individuals affected with CTNNA3-related conditions. Advanced modeling of protein sequence and biophysical properties (such as structural, functional, and spatial information, amino acid conservation, physicochemical variation, residue mobility, and thermodynamic stability) has been performed at Invitae for this missense variant, however the output from this modeling did not meet the statistical confidence thresholds required to predict the impact of this variant on CTNNA3 protein function. In summary, the available evidence is currently insufficient to determine the role of this variant in disease. Therefore, it has been classified as a Variant of Uncertain Significance.

NM_013266.4(CTNNA3):c.1145T>C (p.Ile382Thr)

Gene: CTNNA3 (catenin alpha 3; minus strand). Cytogenetic location: 10q21.3.
Variant type: single nucleotide variant.
Coding change: c.1145T>C on transcript NM_013266.4 (MANE Select); coding-DNA position 1145, T replaced by C.
Protein change: p.Ile382Thr; replaces isoleucine 382 with threonine.
Molecular consequence: missense variant.
Genome position (GRCh38, 1-based): chr10:66,766,400, A>G on the plus strand (T>C on the coding strand, the complement: CTNNA3 is on the minus strand). VCF-style: chr10-66766400-A-G. GRCh37 (hg19) VCF-style: chr10-68526158-A-G.
Other names: c.1145T>C, p.Ile382Thr (NM_001127384.3); c.1145T>C (NM_013266.2); short protein forms I382T.
Identifiers: ClinVar variation 2727315 (VCV002727315.4), dbSNP rs1839857854, ClinGen allele CA377092061.
Genomic context (GRCh38, chr10:66,766,400, plus strand): 5'-GCTTCAATGAGAACCAAAAGAGGGACTGTCGTATCCAGGAAAGAGTCTGACACATGATCT[A>G]TAATAGCCTTGCGGAGCTGAGAAGAAATGAAAAATTCAGGTTTTTTTTTTCCAGGAAATA-3'
Protein context (NP_037398.2, residues 372-392): DLRRQLRKAI[Ile382Thr]DHVSDSFLDT